The following is an entry in ClinVar:

NM_003839.4(TNFRSF11A):c.919G>A (p.Val307Ile)

Gene: TNFRSF11A (TNF receptor superfamily member 11a; plus strand). Cytogenetic location: 18q21.33.
Variant type: single nucleotide variant.
Coding change: c.919G>A on transcript NM_003839.4 (MANE Select); coding-DNA position 919, G replaced by A.
Protein change: p.Val307Ile; replaces valine 307 with isoleucine.
Molecular consequence: missense variant. On other transcripts: intron variant (3).
Genome position (GRCh38, 1-based): chr18:62,368,836, G>A. VCF-style: chr18-62368836-G-A. GRCh37 (hg19) VCF-style: chr18-60036069-G-A.
Other names: c.877G>A, p.Val293Ile (NM_001278268.2); c.783+2076G>A (NM_001270949.2); c.730+7043G>A (NM_001270950.2); c.616+8787G>A (NM_001270951.2); short protein forms V293I, V307I.
Identifiers: ClinVar variation 3459133 (VCV003459133.2).

ClinVar aggregate classification (germline): Uncertain significance. Review status: criteria provided, multiple submitters, no conflicts (2 of 4 stars). 2 submissions from 2 submitters: Uncertain significance (2). Last evaluated 2025-05-27.

Conditions:
Inborn genetic diseases. Identifiers: MedGen C0950123, MeSH D030342.

gnomAD v4.1: 5 of 1,614,264 alleles (0.00031%); highest among the groups gnomAD compares: Non-Finnish European, 0.00042%; no homozygotes.

Submissions (2):

Labcorp Genetics (formerly Invitae), Labcorp
Classification: Uncertain significance. Last evaluated: 2025-05-27. Review status: criteria provided, single submitter. Criteria: Invitae Variant Classification Sherloc (09022015). Collection method: clinical testing. Allele origin: germline.
Comment: This sequence change replaces valine, which is neutral and non-polar, with isoleucine, which is neutral and non-polar, at codon 307 of the TNFRSF11A protein (p.Val307Ile). This variant is present in population databases (rs753270663, gnomAD 0.002%). This variant has not been reported in the literature in individuals affected with TNFRSF11A-related conditions. ClinVar contains an entry for this variant (Variation ID: 3459133). An algorithm developed to predict the effect of missense changes on protein structure and function outputs the following: PolyPhen-2: "Benign". The isoleucine amino acid residue is found in multiple mammalian species, which suggests that this missense change does not adversely affect protein function. In summary, the available evidence is currently insufficient to determine the role of this variant in disease. Therefore, it has been classified as a Variant of Uncertain Significance.

Ambry Genetics
Classification: Uncertain significance for Inborn genetic diseases. Last evaluated: 2024-09-11. Review status: criteria provided, single submitter. Criteria: Ambry Variant Classification Scheme 2023. Collection method: clinical testing. Allele origin: germline.